The following is an entry in ClinVar:

NM_174936.4(PCSK9):c.100G>A (p.Glu34Lys)

Gene: PCSK9 (proprotein convertase subtilisin/kexin type 9; plus strand). Cytogenetic location: 1p32.3.
Variant type: single nucleotide variant.
Coding change: c.100G>A on transcript NM_174936.4 (MANE Select); coding-DNA position 100, G replaced by A.
Protein change: p.Glu34Lys; replaces glutamic acid 34 with lysine.
Molecular consequence: missense variant.
Genome position (GRCh38, 1-based): chr1:55,039,937, G>A. VCF-style: chr1-55039937-G-A. GRCh37 (hg19) VCF-style: chr1-55505610-G-A.
Other names: p.Glu34Lys; short protein forms E34K.
Identifiers: ClinVar variation 536202 (VCV000536202.29), dbSNP rs371030381, ClinGen allele CA034587.

ClinVar aggregate classification (germline): Uncertain significance. Review status: criteria provided, multiple submitters, no conflicts (2 of 4 stars). 11 submissions from 10 submitters: Uncertain significance (11). Last evaluated 2025-12-23.

Conditions:
Hypobetalipoproteinemia. Identifiers: Orphanet 31154, MedGen C0020597, MONDO:0017774.
Cardiovascular phenotype. Identifiers: MedGen CN230736.
Familial hypercholesterolemia. Also called: Familial hypercholesterolemias; Familial hypercholesterolaemia. Identifiers: MedGen C0020445, MONDO:0005439.
Hypercholesterolemia, autosomal dominant, 3 (FHCL3). Also called: Familial Hypercholesterolemia, Autosomal Dominant, 3; Familial hypercholesterolemia 3; PCSK9-Related Familial Hypercholesterolemia, Autosomal Dominant. Identifiers: MedGen C1863551, MONDO:0011369, OMIM 603776.

Allele frequency attached by ClinVar (database versions not stated): gnomAD exomes below 0.00001 and 0.00002; TOPMed below 0.00001; gnomAD 0.00001; ExAC 0.00004; ESP Exome Variant Server 0.00008.
gnomAD v4.1: 6 of 1,573,036 alleles (0.00038%); highest among the groups gnomAD compares: Middle Eastern, 0.058%; no homozygotes.

Submissions (11):

Labcorp Genetics (formerly Invitae), Labcorp
Classification: Uncertain significance for Hypercholesterolemia, autosomal dominant, 3. Last evaluated: 2025-12-23. Review status: criteria provided, single submitter. Criteria: Invitae Variant Classification Sherloc (09022015). Collection method: clinical testing. Allele origin: germline.
Comment: This sequence change replaces glutamic acid, which is acidic and polar, with lysine, which is basic and polar, at codon 34 of the PCSK9 protein (p.Glu34Lys). This variant is present in population databases (rs371030381, gnomAD 0.004%). This missense change has been observed in individual(s) with clinical features of PCSK9-related conditions (PMID: 33418990, 35913489; internal data). ClinVar contains an entry for this variant (Variation ID: 536202). Invitae Evidence Modeling of protein sequence and biophysical properties (such as structural, functional, and spatial information, amino acid conservation, physicochemical variation, residue mobility, and thermodynamic stability) indicates that this missense variant is not expected to disrupt PCSK9 protein function with a negative predictive value of 95%. In summary, the available evidence is currently insufficient to determine the role of this variant in disease. Therefore, it has been classified as a Variant of Uncertain Significance.

Color Diagnostics, LLC DBA Color Health
Classification: Uncertain significance for Familial hypercholesterolemia. Last evaluated: 2025-06-30. Review status: criteria provided, single submitter. Criteria: ACMG Guidelines, 2015. Collection method: clinical testing. Allele origin: germline.
Comment: This missense variant replaces glutamic acid with lysine at codon 34 of the PCSK9 protein. Computational prediction suggests that this variant may not impact protein structure and function. To our knowledge, functional studies have not been reported for this variant. This variant has been reported in individuals affected with familial hypercholesterolemia (PMID: 33418990, 35913489). This variant has been identified in 3/184476 chromosomes in the general population by the Genome Aggregation Database (gnomAD). The available evidence is insufficient to determine the role of this variant in disease conclusively. Therefore, this variant is classified as a Variant of Uncertain Significance.

Mayo Clinic Laboratories, Mayo Clinic
Classification: Uncertain significance. Last evaluated: 2025-02-14. Review status: criteria provided, single submitter. Criteria: ACMG Guidelines, 2015. Collection method: clinical testing. Allele origin: germline. Observed: 1 variant allele.
Comment: BP4

GeneDx
Classification: Uncertain significance. Last evaluated: 2024-12-22. Review status: criteria provided, single submitter. Criteria: GeneDx Variant Classification Process June 2021. Collection method: clinical testing. Allele origin: germline. Affected: yes.
Comment: Identified in an individual with familial hypercholesterolemia. This individual also harbored a variant in another gene that may have also contributed to the phenotype (PMID: 33418990); Not observed at significant frequency in large population cohorts (gnomAD); In silico analysis indicates that this missense variant does not alter protein structure/function; This variant is associated with the following publications: (PMID: 27535533, 35913489, 33418990)

Women's Health and Genetics/Laboratory Corporation of America, LabCorp
Classification: Uncertain significance. Last evaluated: 2024-09-04. Review status: criteria provided, single submitter. Criteria: LabCorp Variant Classification Summary - May 2015. Collection method: clinical testing. Allele origin: germline.
Comment: Variant summary: PCSK9 c.100G>A (p.Glu34Lys) results in a conservative amino acid change in the encoded protein sequence. Five of five in-silico tools predict a benign effect of the variant on protein function. The variant allele was found at a frequency of 1.6e-05 in 184476 control chromosomes. The available data on variant occurrences in the general population are insufficient to allow any conclusion about variant significance. c.100G>A has been reported in the literature in individuals affected with Familial Hypercholesterolemia (Meshkov_2021, Sustar_2022). These data do not allow any conclusion about variant significance. To our knowledge, no experimental evidence demonstrating an impact on protein function has been reported. The following publications have been ascertained in the context of this evaluation (PMID: 33418990, 35913489). ClinVar contains an entry for this variant (Variation ID: 536202). Based on the evidence outlined above, the variant was classified as uncertain significance.

All of Us Research Program, National Institutes of Health
Classification: Uncertain significance for Hypercholesterolemia, autosomal dominant, 3. Last evaluated: 2023-03-09. Review status: criteria provided, single submitter. Criteria: ACMG Guidelines, 2015. Collection method: clinical testing. Allele origin: germline. Inheritance: Autosomal dominant inheritance. Observed: 1 variant allele, 1 heterozygote.
Comment: Variant of Uncertain Significance due to insufficient evidence: This missense variant is located in the propeptide domain of the PCSK9 protein. Computational prediction tools and conservation analyses are inconclusive regarding the impact of this variant on the protein function. Computational splicing tools suggest that this variant may not impact RNA splicing. To our knowledge, functional assays have not been performed for this variant nor has this variant been reported in individuals affected with familial hypercholesterolemia in the literature. This variant has been identified in 3/177556 chromosomes in the general population by the Genome Aggregation Database (gnomAD). Available evidence is insufficient to determine the pathogenicity of this variant conclusively.

This study involves interpretation of variants in research participants for the purpose of population health screening. Participant phenotype was not available at the time of variant classification. Additional details can be found in publication PMID: 35346344, PMCID: PMC8962531

Ambry Genetics
Classification: Uncertain significance for Cardiovascular phenotype. Last evaluated: 2022-12-23. Review status: criteria provided, single submitter. Criteria: Ambry Variant Classification Scheme 2023. Collection method: clinical testing. Allele origin: germline.
Comment: The p.E34K variant (also known as c.100G>A), located in coding exon 1 of the PCSK9 gene, results from a G to A substitution at nucleotide position 100. The glutamic acid at codon 34 is replaced by lysine, an amino acid with similar properties. This amino acid position is not well conserved in available vertebrate species. In addition, this alteration is predicted to be tolerated by in silico analysis. Since supporting evidence is limited at this time, the clinical significance of this alteration remains unclear.

Fulgent Genetics
Classification: Uncertain significance for Hypercholesterolemia, autosomal dominant, 3. Last evaluated: 2021-08-27. Review status: criteria provided, single submitter. Criteria: ACMG Guidelines, 2015. Collection method: clinical testing. Allele origin: unknown.

Illumina Laboratory Services, Illumina
Classification: Uncertain significance for Hypercholesterolemia, autosomal dominant, 3. Last evaluated: 2018-01-13. Review status: criteria provided, single submitter. Criteria: ICSL Variant Classification Criteria 13 December 2019. Collection method: clinical testing. Allele origin: germline.

Illumina Laboratory Services, Illumina
Classification: Uncertain significance for Hypobetalipoproteinemia. Last evaluated: 2018-01-13. Review status: criteria provided, single submitter. Criteria: ICSL Variant Classification Criteria 13 December 2019. Collection method: clinical testing. Allele origin: germline.

Breakthrough Genomics
Classification: Uncertain significance. Review status: criteria provided, single submitter. Criteria: ACMG Guidelines, 2015. Collection method: not provided. Allele origin: germline. Inheritance: Autosomal dominant inheritance. Affected: yes.

Literature cited by the submitters: PubMed 33418990 (cited by 3 submitters); PubMed 35913489 (cited by 4 submitters).